The following is an entry in ClinVar:

NM_005337.5(NCKAP1L):c.1256G>A (p.Arg419Gln)

Gene: NCKAP1L (NCK associated protein 1 like; plus strand). Cytogenetic location: 12q13.2.
Variant type: single nucleotide variant.
Coding change: c.1256G>A on transcript NM_005337.5 (MANE Select); coding-DNA position 1256, G replaced by A.
Protein change: p.Arg419Gln; replaces arginine 419 with glutamine.
Molecular consequence: missense variant.
Genome position (GRCh38, 1-based): chr12:54,517,856, G>A. VCF-style: chr12-54517856-G-A. GRCh37 (hg19) VCF-style: chr12-54911640-G-A.
Other names: c.1106G>A, p.Arg369Gln (NM_001184976.2); short protein forms R419Q, R369Q.
Identifiers: ClinVar variation 3878110 (VCV003878110.2).
Genomic context (GRCh38, chr12:54,517,856, plus strand): 5'-AACTTTATAGGAGCATTGCAGAGCTACTTTTCTTGTTGGAGGGGATTAGGTCTCTGGTCC[G>A]AAGACACATCAAAGTGATACAGCAATACCACCTTCAGTACTTGGCAAGATTTGATGCTCT-3'
Protein context (NP_005328.2, residues 409-429): FLLEGIRSLV[Arg419Gln]RHIKVIQQYH

ClinVar aggregate classification (germline): Uncertain significance. Review status: criteria provided, multiple submitters, no conflicts (2 of 4 stars). 2 submissions from 2 submitters: Uncertain significance (2). Last evaluated 2025-12-24.

gnomAD v4.1: 112 of 1,614,100 alleles (0.0069%); highest among the groups gnomAD compares: South Asian, 0.049%; no homozygotes.

Submissions (2):

Women's Health and Genetics/Laboratory Corporation of America, LabCorp
Classification: Uncertain significance. Last evaluated: 2025-12-24. Review status: criteria provided, single submitter. Criteria: LabCorp Variant Classification Summary - May 2015. Collection method: clinical testing. Allele origin: germline.
Comment: Variant summary: NCKAP1L c.1256G>A (p.Arg419Gln) results in a conservative amino acid change in the encoded protein sequence. Algorithms developed to predict the effect of missense changes on protein structure and function all suggest that this variant is likely to be tolerated. The variant allele was found at a frequency of 0.00012 in 251386 control chromosomes. This frequency is not significantly higher than estimated for disease-causing variants in NCKAP1L, allowing no conclusion about variant significance. To our knowledge, no occurrence of c.1256G>A in individuals affected with NCKAP1L-related conditions and no experimental evidence demonstrating its impact on protein function have been reported. ClinVar contains an entry for this variant (Variation ID: 3878110). Based on the evidence outlined above, the variant was classified as uncertain significance.

Ambry Genetics
Classification: Uncertain significance. Last evaluated: 2025-03-07. Review status: criteria provided, single submitter. Criteria: Ambry Variant Classification Scheme 2023. Collection method: clinical testing. Allele origin: germline.